The following is an entry in ClinVar:

NC_000017.10:g.(?_48267020)_(48278874_?)dup

Gene: COL1A1 (collagen type I alpha 1 chain; minus strand). Cytogenetic location: 17q21.33.
Variant type: Duplication.
Identifiers: ClinVar variation 1459514 (VCV001459514.7).

ClinVar aggregate classification (germline): Pathogenic (1 of 4 stars; one submission).

Conditions:
Osteogenesis imperfecta type I (OI1). Also called: Lobstein disease; Classic Non-deforming Osteogenesis Imperfecta with Blue Sclerae; OI, TYPE I; OSTEOGENESIS IMPERFECTA TARDA; OSTEOGENESIS IMPERFECTA WITH BLUE SCLERAE; Osteogenesis imperfecta type 1. Identifiers: Orphanet 216796, Orphanet 666, MedGen C0023931, MONDO:0008146, OMIM 166200. Disease mechanism: loss of function.

Submission:

Labcorp Genetics (formerly Invitae), Labcorp
Classification: Pathogenic for Osteogenesis imperfecta type I. Last evaluated: 2022-08-23. Review status: criteria provided, single submitter. Criteria: Invitae Variant Classification Sherloc (09022015). Collection method: clinical testing. Allele origin: germline.
Comment: This variant results in a copy number gain of the genomic region encompassing exon(s) 1-38 of the COL1A1 gene. This region includes the initiator codon of the gene. This copy number gain extends beyond the assayed region for this gene and therefore may encompass additional genes. As the precise location of this event is unknown, it may be in tandem or it may be located elsewhere in the genome. A similar copy number variant has been observed in individual(s) with osteogenesis imperfecta (Invitae). In at least one individual the variant was observed to be de novo. For these reasons, this variant has been classified as Pathogenic.